The following is an entry in ClinVar:

NM_001009944.3(PKD1):c.5492C>T (p.Thr1831Met)

Gene: PKD1 (polycystin 1, transient receptor potential channel interacting; minus strand). Cytogenetic location: 16p13.3.
Variant type: single nucleotide variant.
Coding change: c.5492C>T on transcript NM_001009944.3 (MANE Select); coding-DNA position 5492, C replaced by T.
Protein change: p.Thr1831Met; replaces threonine 1831 with methionine.
Molecular consequence: missense variant.
Genome position (GRCh38, 1-based): chr16:2,109,675, G>A on the plus strand (C>T on the coding strand, the complement: PKD1 is on the minus strand). VCF-style: chr16-2109675-G-A. GRCh37 (hg19) VCF-style: chr16-2159676-G-A.
Other names: c.5492C>T, p.Thr1831Met (NM_000296.4); short protein forms T1831M.
Identifiers: ClinVar variation 3907610 (VCV003907610.2).

ClinVar aggregate classification (germline): Uncertain significance (1 of 4 stars; one submission).

gnomAD v4.1: 37 of 1,586,644 alleles (0.0023%); highest among the groups gnomAD compares: East Asian, 0.0092%; no homozygotes.

Submission:

Women's Health and Genetics/Laboratory Corporation of America, LabCorp
Classification: Uncertain significance. Last evaluated: 2026-02-20. Review status: criteria provided, single submitter. Criteria: LabCorp Variant Classification Summary - May 2015. Collection method: clinical testing. Allele origin: germline.
Comment: Variant summary: PKD1 c.5492C>T (p.Thr1831Met) results in a non-conservative amino acid change in the encoded protein sequence. Algorithms developed to predict the effect of missense changes on protein structure and function are either unavailable or do not agree on the potential impact of this missense change. The variant allele was found at a frequency of 2.8e-05 in 175712 control chromosomes. The available data on variant occurrences in the general population are insufficient to allow any conclusion about variant significance. To our knowledge, no occurrence of c.5492C>T in individuals affected with PKD1-related conditions and no experimental evidence demonstrating its impact on protein function have been reported. ClinVar contains an entry for this variant (Variation ID: 3907610). Based on the evidence outlined above, the variant was classified as uncertain significance.